The following is an entry in ClinVar:

NM_016180.5(SLC45A2):c.1318A>C (p.Thr440Pro)

Gene: SLC45A2 (solute carrier family 45 member 2; minus strand). Cytogenetic location: 5p13.2.
Variant type: single nucleotide variant.
Coding change: c.1318A>C on transcript NM_016180.5 (MANE Select); coding-DNA position 1318, A replaced by C.
Protein change: p.Thr440Pro; replaces threonine 440 with proline.
Molecular consequence: missense variant.
Genome position (GRCh38, 1-based): chr5:33,947,213, T>G on the plus strand (A>C on the coding strand, the complement: SLC45A2 is on the minus strand). VCF-style: chr5-33947213-T-G. GRCh37 (hg19) VCF-style: chr5-33947318-T-G.
Other names: c.1318A>C, p.Thr440Pro (NM_001012509.4); short protein forms T440P.
Identifiers: ClinVar variation 1997132 (VCV001997132.2), dbSNP rs762539147, ClinGen allele CA359388257.

ClinVar aggregate classification (germline): Uncertain significance (1 of 4 stars; one submission).

gnomAD v4.1: 3 of 1,614,102 alleles (0.00019%); highest among the groups gnomAD compares: African/African-American, 0.0027%; no homozygotes.

Submission:

Labcorp Genetics (formerly Invitae), Labcorp
Classification: Uncertain significance. Last evaluated: 2022-05-20. Review status: criteria provided, single submitter. Criteria: Invitae Variant Classification Sherloc (09022015). Collection method: clinical testing. Allele origin: germline.
Comment: In summary, the available evidence is currently insufficient to determine the role of this variant in disease. Therefore, it has been classified as a Variant of Uncertain Significance. Algorithms developed to predict the effect of missense changes on protein structure and function (SIFT, PolyPhen-2, Align-GVGD) all suggest that this variant is likely to be disruptive. This missense change has been observed in individual(s) with clinical features of oculocutaneous albinism (Invitae). In at least one individual the data is consistent with being in trans (on the opposite chromosome) from a pathogenic variant. This variant is not present in population databases (gnomAD no frequency). This sequence change replaces threonine, which is neutral and polar, with proline, which is neutral and non-polar, at codon 440 of the SLC45A2 protein (p.Thr440Pro).